The following is an entry in ClinVar:

NM_001384732.1(CPLANE1):c.5051C>T (p.Ser1684Leu)

Gene: CPLANE1 (ciliogenesis and planar polarity effector complex subunit 1; minus strand). Cytogenetic location: 5p13.2.
Variant type: single nucleotide variant.
Coding change: c.5051C>T on transcript NM_001384732.1 (MANE Select); coding-DNA position 5051, C replaced by T.
Protein change: p.Ser1684Leu; replaces serine 1684 with leucine.
Molecular consequence: missense variant.
Genome position (GRCh38, 1-based): chr5:37,183,130, G>A on the plus strand (C>T on the coding strand, the complement: CPLANE1 is on the minus strand). VCF-style: chr5-37183130-G-A. GRCh37 (hg19) VCF-style: chr5-37183232-G-A.
Other names: c.5051C>T, p.Ser1684Leu (NM_023073.4); short protein forms S1684L.
Identifiers: ClinVar variation 1472306 (VCV001472306.9), dbSNP rs2151150270, ClinGen allele CA359494367.

ClinVar aggregate classification (germline): Uncertain significance. Review status: criteria provided, multiple submitters, no conflicts (2 of 4 stars). 2 submissions from 2 submitters: Uncertain significance (2). Last evaluated 2022-05-09.

Conditions:
Orofaciodigital syndrome type 6 (OFD6). Also called: OROFACIODIGITAL SYNDROME VI; OFDS VI; POLYDACTYLY, CLEFT LIP/PALATE OR LINGUAL LUMP, AND PSYCHOMOTOR RETARDATION; VARADI SYNDROME; VARADI-PAPP SYNDROME; Oral-facial-digital syndrome type 6. Identifiers: Orphanet 2754, MedGen C2745997, MONDO:0010176, OMIM 277170.
Joubert syndrome 17 (JBTS17). Identifiers: Orphanet 475, MedGen C3553264, MONDO:0013824, OMIM 614615.

gnomAD v4.1: 1 of 1,612,848 alleles (0.000062%); highest among the groups gnomAD compares: Non-Finnish European, 0.000085%; no homozygotes.

Submissions (2):

Fulgent Genetics
Classification: Uncertain significance for Orofaciodigital syndrome type 6; Joubert syndrome 17. Last evaluated: 2022-05-09. Review status: criteria provided, single submitter. Criteria: ACMG Guidelines, 2015. Collection method: clinical testing. Allele origin: unknown.

Labcorp Genetics (formerly Invitae), Labcorp
Classification: Uncertain significance. Last evaluated: 2021-04-30. Review status: criteria provided, single submitter. Criteria: Invitae Variant Classification Sherloc (09022015). Collection method: clinical testing. Allele origin: germline.
Comment: This sequence change replaces serine with leucine at codon 1684 of the CPLANE1 protein (p.Ser1684Leu). The serine residue is moderately conserved and there is a large physicochemical difference between serine and leucine. This variant is not present in population databases (ExAC no frequency). In summary, the available evidence is currently insufficient to determine the role of this variant in disease. Therefore, it has been classified as a Variant of Uncertain Significance. Advanced modeling of protein sequence and biophysical properties (such as structural, functional, and spatial information, amino acid conservation, physicochemical variation, residue mobility, and thermodynamic stability) performed at Invitae indicates that this missense variant is not expected to disrupt CPLANE1 protein function. This variant has not been reported in the literature in individuals with CPLANE1-related conditions.